The following is an entry in ClinVar:

ClinVar aggregate classification (germline): Likely benign. Review status: criteria provided, multiple submitters, no conflicts (2 of 4 stars). 2 submissions from 2 submitters: Likely benign (2). Last evaluated 2026-04-01.

Allele frequency attached by ClinVar (database versions not stated): ExAC 0.00071; ESP Exome Variant Server 0.00077; 1000 Genomes Project 30x 0.00094; 1000 Genomes Project 0.00100.
gnomAD v4.1: 1,127 of 1,613,160 alleles (0.07%); highest among the groups gnomAD compares: Middle Eastern, 0.35%; 1 homozygote.

Submissions (2):

CeGaT Center for Human Genetics Tuebingen
Classification: Likely benign. Last evaluated: 2026-04-01. Review status: criteria provided, single submitter. Criteria: CeGaT Center For Human Genetics Tuebingen Variant Classification Criteria Version 2. Collection method: clinical testing. Allele origin: germline. Affected: yes. Observed: 3 variant alleles.
Comment: MINPP1: BP4, BP7

Blueprint Genetics
Classification: Likely benign. Last evaluated: 2024-11-15. Review status: criteria provided, single submitter. Criteria: ACMG Guidelines, 2015. Collection method: clinical testing. Allele origin: germline.

NM_004897.5(MINPP1):c.114G>T (p.Pro38=)

Gene: MINPP1 (multiple inositol-polyphosphate phosphatase 1; plus strand). Cytogenetic location: 10q23.2.
Variant type: single nucleotide variant.
Coding change: c.114G>T on transcript NM_004897.5 (MANE Select); coding-DNA position 114, G replaced by T.
Protein change: p.Pro38=; no amino-acid change (proline 38 retained).
Molecular consequence: synonymous variant.
Genome position (GRCh38, 1-based): chr10:87,505,029, G>T. VCF-style: chr10-87505029-G-T. GRCh37 (hg19) VCF-style: chr10-89264786-G-T.
Other names: c.114G>T, p.Pro38= (NM_001178117.2).
Identifiers: ClinVar variation 3239064 (VCV003239064.20), dbSNP rs149262703.